The following is an entry in ClinVar:

NM_020433.5(JPH2):c.1204G>A (p.Glu402Lys)

Gene: JPH2 (junctophilin 2; minus strand). Cytogenetic location: 20q13.12.
Variant type: single nucleotide variant.
Coding change: c.1204G>A on transcript NM_020433.5 (MANE Select); coding-DNA position 1204, G replaced by A.
Protein change: p.Glu402Lys; replaces glutamic acid 402 with lysine.
Molecular consequence: missense variant.
Genome position (GRCh38, 1-based): chr20:44,118,589, C>T on the plus strand (G>A on the coding strand, the complement: JPH2 is on the minus strand). VCF-style: chr20-44118589-C-T. GRCh37 (hg19) VCF-style: chr20-42747229-C-T.
Other names: short protein forms E402K.
Identifiers: ClinVar variation 188245 (VCV000188245.48), dbSNP rs147407445, ClinGen allele CA334429.

ClinVar aggregate classification (germline): Conflicting classifications of pathogenicity. Review status: criteria provided, conflicting classifications (1 of 4 stars). 16 submissions from 16 submitters: Uncertain significance (9); Likely benign (3). 4 of the submissions do not count toward it. Last evaluated 2026-02-04.

Conditions:
Cardiomyopathy, dilated, 2E. Identifiers: MedGen C5561970, MONDO:0030366, OMIM 619492.
Hypertrophic cardiomyopathy 17. Identifiers: MedGen C3151264, MONDO:0013474, OMIM 613873.
JPH2-related disorder. Also called: JPH2-related condition.
Cardiovascular phenotype. Identifiers: MedGen CN230736.
Primary familial hypertrophic cardiomyopathy (HCM). Identifiers: Orphanet 99739, MedGen C0949658, MeSH D024741, MONDO:0024573. Inheritance: Various modes of inheritance.
Hypertrophic cardiomyopathy. Also called: HYPERTROPHIC MYOCARDIOPATHY. Identifiers: Orphanet 217569, MedGen C0007194, MeSH D002312, MONDO:0005045, HP:0001639.

Allele frequency attached by ClinVar (database versions not stated): gnomAD exomes 0.00028 and 0.00078; ExAC 0.00033; gnomAD 0.00036 and 0.00038; TOPMed 0.00041; ESP Exome Variant Server 0.00077.
gnomAD v4.1: 1,164 of 1,612,178 alleles (0.072%); highest among the groups gnomAD compares: Non-Finnish European, 0.096%; 1 homozygote.

Submissions (16):

Labcorp Genetics (formerly Invitae), Labcorp
Classification: Uncertain significance for Hypertrophic cardiomyopathy. Last evaluated: 2026-02-04. Review status: criteria provided, single submitter. Criteria: Invitae Variant Classification Sherloc (09022015). Collection method: clinical testing. Allele origin: germline.
Comment: This sequence change replaces glutamic acid, which is acidic and polar, with lysine, which is basic and polar, at codon 402 of the JPH2 protein (p.Glu402Lys). This variant is present in population databases (rs147407445, gnomAD 0.06%), and has an allele count higher than expected for a pathogenic variant. This variant has not been reported in the literature in individuals affected with JPH2-related conditions. ClinVar contains an entry for this variant (Variation ID: 188245). An algorithm developed to predict the effect of missense changes on protein structure and function (PolyPhen-2) suggests that this variant is likely to be disruptive. In summary, the available evidence is currently insufficient to determine the role of this variant in disease. Therefore, it has been classified as a Variant of Uncertain Significance.

Women's Health and Genetics/Laboratory Corporation of America, LabCorp
Classification: Likely benign. Last evaluated: 2025-06-17. Review status: criteria provided, single submitter. Criteria: LabCorp Variant Classification Summary - May 2015. Collection method: clinical testing. Allele origin: germline.
Comment: Variant summary: JPH2 c.1204G>A (p.Glu402Lys) results in a conservative amino acid change in the encoded protein sequence. Algorithms developed to predict the effect of missense changes on protein structure and function are either unavailable or do not agree on the potential impact of this missense change. The variant allele was found at a frequency of 0.00028 in 249762 control chromosomes, predominantly at a frequency of 0.00056 within the Non-Finnish European subpopulation in the gnomAD database, including 1 homozygote. The observed variant frequency within Non-Finnish European control individuals in the gnomAD database is approximately 22.4 fold of the estimated maximal expected allele frequency for a pathogenic variant in JPH2 causing Cardiomyopathy phenotype (2.5e-05). To our knowledge, no occurrence of c.1204G>A in individuals affected with Cardiomyopathy and no experimental evidence demonstrating its impact on protein function have been reported. ClinVar contains an entry for this variant (Variation ID: 188245). Based on the evidence outlined above, the variant was classified as likely benign.

Ambry Genetics
Classification: Uncertain significance for Cardiovascular phenotype. Last evaluated: 2025-01-23. Review status: criteria provided, single submitter. Criteria: Ambry Variant Classification Scheme 2023. Collection method: clinical testing. Allele origin: germline.
Comment: The p.E402K variant (also known as c.1204G>A), located in coding exon 3 of the JPH2 gene, results from a G to A substitution at nucleotide position 1204. The glutamic acid at codon 402 is replaced by lysine, an amino acid with similar properties. This variant was reported in individual(s) in a hypertrophic cardiomyopathy (HCM) cohort, but clinical details were limited (Bonaventura J et al. J Am Heart Assoc. 2024 May 21;13(10):e033565). This amino acid position is well conserved in available vertebrate species. In addition, this alteration is predicted to be tolerated by in silico analysis. Since supporting evidence is limited at this time, the clinical significance of this alteration remains unclear.

Mayo Clinic Laboratories, Mayo Clinic
Classification: Likely benign. Last evaluated: 2025-01-03. Review status: criteria provided, single submitter. Criteria: ACMG Guidelines, 2015. Collection method: clinical testing. Allele origin: germline. Observed: 2 variant alleles.
Comment: BS1, BS2, BP4

Blueprint Genetics
Classification: Likely benign. Last evaluated: 2024-08-16. Review status: criteria provided, single submitter. Criteria: ACMG Guidelines, 2015. Collection method: clinical testing. Allele origin: germline.

Fulgent Genetics
Classification: Uncertain significance for Hypertrophic cardiomyopathy 17; Cardiomyopathy, dilated, 2E. Last evaluated: 2021-08-02. Review status: criteria provided, single submitter. Criteria: ACMG Guidelines, 2015. Collection method: clinical testing. Allele origin: unknown.

Center for Advanced Laboratory Medicine, UC San Diego Health, University of California San Diego
Classification: Uncertain significance for Hypertrophic cardiomyopathy. Last evaluated: 2018-11-14. Review status: criteria provided, single submitter. Criteria: ACMG Guidelines, 2015. Collection method: clinical testing. Allele origin: germline. Affected: yes. Observed: 1 variant allele.

ARUP Laboratories, Molecular Genetics and Genomics, ARUP Laboratories
Classification: Uncertain significance. Last evaluated: 2017-07-07. Review status: criteria provided, single submitter. Criteria: ARUP Molecular Germline Variant Investigation Process. Collection method: clinical testing. Allele origin: germline.
Comment: The p.Glu402Lys variant (rs147407445) has been reported in ClinVar, but not in the medical literature. This variant is listed in the Genome Aggregation Database (gnomAD) Browser with an overall population frequency of 0.03 percent (identified on 81 out of 275,606 chromosomes). The glutamic acid at position 402 is highly conserved from human to sea squirt (Alamut v2.9.0), and computational analyses of the effects of the p.Glu402Lys variant on protein structure and function is conflicting (SIFT: tolerated, MutationTaster: disease causing, PolyPhen-2: probably damaging). Altogether, there is not enough evidence to classify the p.Glu402Lys variant with certainty.

GeneDx
Classification: Uncertain significance. Last evaluated: 2016-06-08. Review status: criteria provided, single submitter. Criteria: GeneDx Variant Classification (06012015). Collection method: clinical testing. Allele origin: germline. Affected: yes.
Comment: A variant of uncertain significance has been identified in the JPH2 gene. The E402K variant has not been published as a pathogenic variant, nor has it been reported as a benign variant to our knowledge. However, it has previously been identified in other unrelated individuals who underwent genetic testing for cardiomyopathy or sudden unexpected death at GeneDx and has been classified as a variant of uncertain significance by another clinical laboratory (Landrum et al., 2014). The E402K variant is a non-conservative amino acid substitution, which is likely to impact secondary protein structure as these residues differ in polarity, charge, size and/or other properties. This substitution occurs at a position where only amino acids with similar properties to Glutamic acid are tolerated across species. However, in silico analysis is inconsistent in its predictions as to whether or not the variant is damaging to the protein structure/function. The NHLBI Exome Sequencing Project reports E402K was observed in 8/8,600 alleles from individuals of European background. Furthermore, only one missense variant in a nearby residue (A405S) has been reported in the Human Gene Mutation Database in association with HCM (Stenson et al., 2014). Therefore, based on the currently available information, it is unclear whether this variant is pathogenic or benign

Laboratory for Molecular Medicine, Mass General Brigham Personalized Medicine
Classification: Uncertain significance. Last evaluated: 2015-04-01. Review status: criteria provided, single submitter. Criteria: LMM Criteria. Collection method: clinical testing. Allele origin: germline. Observed: 1 variant allele.
Comment: The p.Glu402Lys variant in JPH2 has not been previously reported in individuals with cardiomyopathy, but has been identified in 38/66478 of European chromosomes by the Exome Aggregation Consortium (ExAC; dbSN P rs147407445). Computational prediction tools and conservation analysis do not provide strong support for or against an impact to the protein. In summary, the clinical significance of the p.Glu402Lys variant is uncertain.

Breakthrough Genomics
Classification: Uncertain significance. Review status: criteria provided, single submitter. Criteria: ACMG Guidelines, 2015. Collection method: not provided. Allele origin: germline. Inheritance: Autosomal dominant inheritance. Affected: yes.

Molecular Diagnostic Laboratory for Inherited Cardiovascular Disease, Montreal Heart Institute
Classification: Uncertain significance for Primary familial hypertrophic cardiomyopathy. Review status: criteria provided, single submitter. Criteria: ACMG Guidelines, 2015. Collection method: clinical testing. Allele origin: germline. Affected: yes.

PreventionGenetics, part of Exact Sciences
Classification: Uncertain significance for JPH2-related condition. Last evaluated: 2024-05-29. Review status: no assertion criteria provided. Collection method: clinical testing. Allele origin: germline. Not counted in ClinVar's aggregate classification.
Comment: The JPH2 c.1204G>A variant is predicted to result in the amino acid substitution p.Glu402Lys. To our knowledge, this variant has not been reported in the literature. This variant is reported in 0.057% of alleles in individuals of European (Non-Finnish) descent in gnomAD, which may be too common to be an undocumented primary cause of disease. Although we suspect that this variant may be benign, at this time, the clinical significance of this variant is uncertain due to the absence of conclusive functional and genetic evidence.

Clinical Genetics, Academic Medical Center
Classification: Likely benign. Review status: no assertion criteria provided. Collection method: clinical testing. Allele origin: germline. Affected: yes. Study: VKGL Data-share Consensus. Not counted in ClinVar's aggregate classification.

Genome Diagnostics Laboratory, University Medical Center Utrecht
Classification: Likely benign. Review status: no assertion criteria provided. Collection method: clinical testing. Allele origin: germline. Affected: yes. Study: VKGL Data-share Consensus. Not counted in ClinVar's aggregate classification.

Joint Genome Diagnostic Labs from Nijmegen and Maastricht, Radboudumc and MUMC+
Classification: Likely benign. Review status: no assertion criteria provided. Collection method: clinical testing. Allele origin: germline. Affected: yes. Study: VKGL Data-share Consensus. Not counted in ClinVar's aggregate classification.

Literature cited by the submitters: PubMed 30615648 (cited by Ambry Genetics and Mayo Clinic Laboratories, Mayo Clinic); PubMed 38757491 (cited by Ambry Genetics).